The following is an entry in ClinVar:

NM_020800.3(IFT80):c.1918A>G (p.Ile640Val)

Genes: IFT80 (intraflagellar transport 80; minus strand), TRIM59-IFT80 (TRIM59-IFT80 readthrough (NMD candidate); minus strand). Cytogenetic location: 3q25.33.
Variant type: single nucleotide variant.
Coding change: c.1918A>G on transcript NM_020800.3 (MANE Select); coding-DNA position 1918, A replaced by G.
Protein change: p.Ile640Val; replaces isoleucine 640 with valine.
Molecular consequence: missense variant. On other transcripts: non-coding transcript variant (3).
Genome position (GRCh38, 1-based): chr3:160,277,589, T>C on the plus strand (A>G on the coding strand, the complement: IFT80 is on the minus strand). VCF-style: chr3-160277589-T-C. GRCh37 (hg19) VCF-style: chr3-159995377-T-C.
Other names: c.1507A>G, p.Ile503Val (NM_001190241.2, NM_001190242.2); short protein forms I640V, I503V.
Identifiers: ClinVar variation 2843379 (VCV002843379.5), dbSNP rs141433478, ClinGen allele CA2685022.

ClinVar aggregate classification (germline): Uncertain significance. Review status: criteria provided, multiple submitters, no conflicts (2 of 4 stars). 3 submissions from 3 submitters: Uncertain significance (3). Last evaluated 2024-01-29.

Conditions:
Jeune thoracic dystrophy. Also called: Short-rib thoracic dysplasia; Jeune syndrome; Infantile thoracic dystrophy; Thoracic pelvic phalangeal dystrophy; Jeune's syndrome; Chondroectodermal dysplasia-like syndrome. Identifiers: Orphanet 474, MedGen C0265275, MONDO:0018770.
Asphyxiating thoracic dystrophy 2 (SRTD2). Also called: SHORT-RIB THORACIC DYSPLASIA 2 WITH OR WITHOUT POLYDACTYLY; SHORT-RIB THORACIC DYSPLASIA 2 WITH POLYDACTYLY; SHORT-RIB THORACIC DYSPLASIA 2 WITHOUT POLYDACTYLY. Identifiers: Orphanet 474, MedGen C1970005, MONDO:0012644, OMIM 611263.

Allele frequency attached by ClinVar (database versions not stated): gnomAD exomes 0.00001; TOPMed 0.00001; ExAC 0.00002; ESP Exome Variant Server 0.00008.
gnomAD v4.1: 4 of 1,611,910 alleles (0.00025%); highest among the groups gnomAD compares: Non-Finnish European, 0.00034%; no homozygotes.

Submissions (3):

Fulgent Genetics
Classification: Uncertain significance for Asphyxiating thoracic dystrophy 2. Last evaluated: 2024-01-29. Review status: criteria provided, single submitter. Criteria: ACMG Guidelines, 2015. Collection method: clinical testing. Allele origin: germline.

Labcorp Genetics (formerly Invitae), Labcorp
Classification: Uncertain significance for Jeune thoracic dystrophy. Last evaluated: 2023-09-18. Review status: criteria provided, single submitter. Criteria: Invitae Variant Classification Sherloc (09022015). Collection method: clinical testing. Allele origin: germline.
Comment: In summary, the available evidence is currently insufficient to determine the role of this variant in disease. Therefore, it has been classified as a Variant of Uncertain Significance. Advanced modeling of protein sequence and biophysical properties (such as structural, functional, and spatial information, amino acid conservation, physicochemical variation, residue mobility, and thermodynamic stability) performed at Invitae indicates that this missense variant is not expected to disrupt IFT80 protein function. This variant has not been reported in the literature in individuals affected with IFT80-related conditions. This variant is present in population databases (rs141433478, gnomAD 0.0009%). This sequence change replaces isoleucine, which is neutral and non-polar, with valine, which is neutral and non-polar, at codon 640 of the IFT80 protein (p.Ile640Val).

Breakthrough Genomics
Classification: Uncertain significance. Review status: criteria provided, single submitter. Criteria: ACMG Guidelines, 2015. Collection method: not provided. Allele origin: germline. Inheritance: Autosomal recessive inheritance. Affected: yes.